The following is an entry in ClinVar:

ClinVar aggregate classification (germline): Uncertain significance (1 of 4 stars; one submission).

Conditions:
RELN-related disorder. Also called: RELN-related condition.

Allele frequency attached by ClinVar (database versions not stated): gnomAD exomes below 0.00001; ExAC 0.00001.
gnomAD v4.1: 1 of 1,572,942 alleles (0.000064%); highest among the groups gnomAD compares: East Asian, 0.0022%; no homozygotes.

Submission:

PreventionGenetics, part of Exact Sciences
Classification: Uncertain significance for RELN-related condition. Last evaluated: 2022-08-24. Review status: criteria provided, single submitter. Criteria: ACMG Guidelines, 2015. Collection method: clinical testing. Allele origin: germline.
Comment: The RELN c.806G>A variant is predicted to result in the amino acid substitution p.Gly269Glu. To our knowledge, this variant has not been reported in the literature. This variant is reported in 0.0054% of alleles in individuals of East Asian descent in gnomAD. At this time, the clinical significance of this variant is uncertain due to the absence of conclusive functional and genetic evidence.

NM_005045.4(RELN):c.806G>A (p.Gly269Glu)

Gene: RELN (reelin; minus strand). Cytogenetic location: 7q22.1.
Variant type: single nucleotide variant.
Coding change: c.806G>A on transcript NM_005045.4 (MANE Select); coding-DNA position 806, G replaced by A.
Protein change: p.Gly269Glu; replaces glycine 269 with glutamic acid.
Molecular consequence: missense variant.
Genome position (GRCh38, 1-based): chr7:103,701,006, C>T on the plus strand (G>A on the coding strand, the complement: RELN is on the minus strand). VCF-style: chr7-103701006-C-T. GRCh37 (hg19) VCF-style: chr7-103341453-C-T.
Other names: c.806G>A, p.Gly269Glu (NM_173054.3); short protein forms G269E.
Identifiers: ClinVar variation 2636528 (VCV002636528.1), dbSNP rs760622192, ClinGen allele CA4422436.